The following is an entry in ClinVar:

NM_005207.4(CRKL):c.252G>C (p.Leu84=)

Gene: CRKL (CRK like proto-oncogene, adaptor protein; plus strand). Cytogenetic location: 22q11.21.
Variant type: single nucleotide variant.
Coding change: c.252G>C on transcript NM_005207.4 (MANE Select); coding-DNA position 252, G replaced by C.
Protein change: p.Leu84=; no amino-acid change (leucine 84 retained).
Molecular consequence: synonymous variant. On other transcripts: non-coding transcript variant (1).
Genome position (GRCh38, 1-based): chr22:20,918,186, G>C. VCF-style: chr22-20918186-G-C. GRCh37 (hg19) VCF-style: chr22-21272474-G-C.
Identifiers: ClinVar variation 4990235 (VCV004990235.1).

ClinVar aggregate classification (germline): Likely benign (1 of 4 stars; one submission).

Conditions:
CRKL-related disorder. Also called: CRKL-related condition.

Submission:

PreventionGenetics, part of Exact Sciences
Classification: Likely benign for CRKL-related condition. Last evaluated: 2025-12-21. Review status: criteria provided, single submitter. Criteria: ACMG Guidelines, 2015. Collection method: clinical testing. Allele origin: germline.
Comment: This variant is classified as likely benign based on ACMG/AMP sequence variant interpretation guidelines (Richards et al. 2015 PMID: 25741868, with internal and published modifications).